The following is an entry in ClinVar:

NM_014159.7(SETD2):c.570GCCTCCACC[1] (p.Pro194_Pro196del)

Gene: SETD2 (SET domain containing 2, histone lysine methyltransferase; minus strand). Cytogenetic location: 3p21.31.
Variant type: Microsatellite.
Coding change: c.570GCCTCCACC[1] on transcript NM_014159.7 (MANE Select); one copy of the 9-base unit GCCTCCACC starting at c.570; the reference has two copies in a row; one copy, 9 bases deleted.
Protein change: p.Pro194_Pro196del.
Molecular consequence: inframe deletion. On other transcripts: inframe indel (2), non-coding transcript variant (1).
Genome position (GRCh38, 1-based): chr3:47,124,049-47,124,057, GGTGGAGGC deleted on the plus strand (GCCTCCACC on the coding strand, the reverse complement: SETD2 is on the minus strand); deleting any 9 consecutive bases within chr3:47,124,049-47,124,068 gives the same sequence; the position shown is the placement nearest the transcript's 3' end. VCF-style (leftmost placement, unchanged base first): chr3-47124048-AGGTGGAGGC-A. GRCh37 (hg19) VCF-style: chr3-47165538-AGGTGGAGGC-A.
Other names: c.438GCCTCCACC[1], p.Pro150_Pro152del (NM_001349370.3); c.568_576CCGCCTCCA[1], p.Pro194_Pro196del (NM_014159.6); c.579_587delGCCTCCACC (NM_014159.6).
Identifiers: ClinVar variation 3160645 (VCV003160645.1), dbSNP rs764288610, ClinGen allele CA2363740.
Genomic context (GRCh38, chr3:47,124,048, plus strand): 5'-ATGTGGCAAGGCCACTGGCTCTGTTACTGGTGCTGGTGATGAGAGTGTTGTGGCTTGGGC[AGGTGGAGGC>A]GGTGGAGGCGGAGATGAGGGCGGTGAGTCTACAGTTGTTGATTCTGCTATCACTGCTGGT-3'

ClinVar aggregate classification (germline): Uncertain significance (1 of 4 stars; one submission).

Conditions:
Inborn genetic diseases. Identifiers: MedGen C0950123, MeSH D030342.

Submission:

Ambry Genetics
Classification: Uncertain significance for Inborn genetic diseases. Last evaluated: 2021-09-22. Review status: criteria provided, single submitter. Criteria: Ambry Variant Classification Scheme 2023. Collection method: clinical testing. Allele origin: germline.
Comment: The c.579_587delGCCTCCACC (p.P194_P196del) alteration is located in exon 3 (coding exon 3) of the SETD2 gene. This alteration consists of an in-frame deletion of 9 nucleotides between nucleotide positions c.579 and c.587, resulting in the deletion of 3 residues. Based on insufficient or conflicting evidence, the clinical significance of this alteration remains unclear.